The following is an entry in ClinVar:

ClinVar aggregate classification (germline): Benign/Likely benign. Review status: criteria provided, multiple submitters, no conflicts (2 of 4 stars). 6 submissions from 6 submitters: Benign (2); Likely benign (3). 1 of the submissions does not count toward it. Last evaluated 2026-01-26.

Conditions:
PLEC-related disorder. Also called: PLEC-related disorders; PLEC-related condition.
Autosomal recessive limb-girdle muscular dystrophy type 2Q (LGMDR17). Also called: MUSCULAR DYSTROPHY, LIMB-GIRDLE, AUTOSOMAL RECESSIVE 17. Identifiers: Orphanet 254361, MedGen C3150989, MONDO:0013390, OMIM 613723.
Epidermolysis bullosa simplex with nail dystrophy (EBS5D). Identifiers: MedGen C4225309, MONDO:0014661, OMIM 616487.
Epidermolysis bullosa simplex 5C, with pyloric atresia (EBS5C). Also called: PLEC-Related Epidermolysis Bullosa with Pyloric Atresia; PLEC1-Related Epidermolysis Bullosa with Pyloric Atresia; Epidermolysis bullosa simplex with pyloric atresia. Identifiers: Orphanet 158684, MedGen C2677349, MONDO:0012807, OMIM 612138.
Epidermolysis bullosa simplex, Ogna type (EBS5A). Also called: Pidermolysis bullosa simplex 5A, Ogna type; EPIDERMOLYSIS BULLOSA SIMPLEX 5A, OGNA TYPE. Identifiers: Orphanet 79401, MedGen C0432317, MONDO:0007555, OMIM 131950.
Epidermolysis bullosa simplex 5B, with muscular dystrophy (EBS5B). Also called: EPIDERMOLYSIS BULLOSA SIMPLEX AND LIMB-GIRDLE MUSCULAR DYSTROPHY; Epidermolysis bullosa simplex with muscular dystrophy. Identifiers: Orphanet 257, MedGen C2931072, MONDO:0009181, OMIM 226670.

Allele frequency attached by ClinVar (database versions not stated): gnomAD exomes 0.00014 and 0.00034; ExAC 0.00038; ESP Exome Variant Server 0.00106; TOPMed 0.00127; gnomAD 0.00136 and 0.00146; 1000 Genomes Project 30x 0.00141; 1000 Genomes Project 0.00160.
gnomAD v4.1: 416 of 1,612,708 alleles (0.026%); highest among the groups gnomAD compares: African/African-American, 0.48%; 2 homozygotes.

Submissions (6):

Labcorp Genetics (formerly Invitae), Labcorp
Classification: Likely benign for Autosomal recessive limb-girdle muscular dystrophy type 2Q; Epidermolysis bullosa simplex, Ogna type; Epidermolysis bullosa simplex with nail dystrophy; Epidermolysis bullosa simplex 5C, with pyloric atresia; Epidermolysis bullosa simplex 5B, with muscular dystrophy. Last evaluated: 2026-01-26. Review status: criteria provided, single submitter. Criteria: Invitae Variant Classification Sherloc (09022015). Collection method: clinical testing. Allele origin: germline.

Athena Diagnostics
Classification: Benign. Last evaluated: 2019-06-30. Review status: criteria provided, single submitter. Criteria: Athena Diagnostics Criteria. Collection method: clinical testing. Allele origin: germline.

GeneDx
Classification: Likely benign. Last evaluated: 2018-11-25. Review status: criteria provided, single submitter. Criteria: GeneDx Variant Classification Process June 2021. Collection method: clinical testing. Allele origin: germline. Affected: yes.

Eurofins Ntd Llc (ga)
Classification: Benign. Last evaluated: 2017-04-05. Review status: criteria provided, single submitter. Criteria: EGL Classification Definitions 2015. Collection method: clinical testing. Allele origin: germline. Observed: 3 variant alleles, 3 heterozygotes.

Breakthrough Genomics
Classification: Likely benign. Review status: criteria provided, single submitter. Criteria: ACMG Guidelines, 2015. Collection method: not provided. Allele origin: germline. Inheritance: Autosomal recessive inheritance. Affected: yes.

PreventionGenetics, part of Exact Sciences
Classification: Likely benign for PLEC-related condition. Last evaluated: 2020-09-25. Review status: no assertion criteria provided. Collection method: clinical testing. Allele origin: germline. Not counted in ClinVar's aggregate classification.
Comment: This variant is classified as likely benign based on ACMG/AMP sequence variant interpretation guidelines (Richards et al. 2015 PMID: 25741868, with internal and published modifications).

NM_201384.3(PLEC):c.12817C>T (p.Pro4273Ser)

Gene: PLEC (plectin; minus strand). Cytogenetic location: 8q24.3.
Variant type: single nucleotide variant.
Coding change: c.12817C>T on transcript NM_201384.3 (MANE Select); coding-DNA position 12817, C replaced by T.
Protein change: p.Pro4273Ser; replaces proline 4273 with serine.
Molecular consequence: missense variant.
Genome position (GRCh38, 1-based): chr8:143,917,004, G>A on the plus strand (C>T on the coding strand, the complement: PLEC is on the minus strand). VCF-style: chr8-143917004-G-A. GRCh37 (hg19) VCF-style: chr8-144991172-G-A.
Other names: c.12898C>T, p.Pro4300Ser (NM_000445.5); c.12775C>T, p.Pro4259Ser (NM_201378.4); c.12751C>T, p.Pro4251Ser (NM_201379.3); c.13228C>T, p.Pro4410Ser (NM_201380.4); c.12721C>T, p.Pro4241Ser (NM_201381.3); c.12817C>T, p.Pro4273Ser (NM_201382.4); c.12829C>T, p.Pro4277Ser (NM_201383.3); short protein forms P4241S, P4251S, P4259S, P4273S, P4277S, P4300S, P4410S.
Identifiers: ClinVar variation 196825 (VCV000196825.25), dbSNP rs202040785, ClinGen allele CA244325.